The following is an entry in ClinVar:

ClinVar aggregate classification (germline): Benign/Likely benign. Review status: criteria provided, multiple submitters, no conflicts (2 of 4 stars). 2 submissions from 2 submitters: Benign (1); Likely benign (1). Last evaluated 2024-11-23.

Allele frequency attached by ClinVar (database versions not stated): ExAC 0.00001; gnomAD exomes 0.00002 and 0.00004; gnomAD 0.00003 and 0.00005; TOPMed 0.00003.
gnomAD v4.1: 62 of 1,613,878 alleles (0.0038%); highest among the groups gnomAD compares: East Asian, 0.013%; no homozygotes.

Submissions (2):

Labcorp Genetics (formerly Invitae), Labcorp
Classification: Benign. Last evaluated: 2024-11-23. Review status: criteria provided, single submitter. Criteria: Invitae Variant Classification Sherloc (09022015). Collection method: clinical testing. Allele origin: germline.

GeneDx
Classification: Likely benign. Last evaluated: 2016-10-11. Review status: criteria provided, single submitter. Criteria: GeneDx Variant Classification (06012015). Collection method: clinical testing. Allele origin: germline. Affected: yes.
Comment: This variant is considered likely benign or benign based on one or more of the following criteria: it is a conservative change, it occurs at a poorly conserved position in the protein, it is predicted to be benign by multiple in silico algorithms, and/or has population frequency not consistent with disease.

NM_022455.5(NSD1):c.5106T>C (p.His1702=)

Gene: NSD1 (nuclear receptor binding SET domain protein 1; plus strand). Cytogenetic location: 5q35.3.
Variant type: single nucleotide variant.
Coding change: c.5106T>C on transcript NM_022455.5 (MANE Select); coding-DNA position 5106, T replaced by C.
Protein change: p.His1702=; no amino-acid change (histidine 1702 retained).
Molecular consequence: synonymous variant.
Genome position (GRCh38, 1-based): chr5:177,260,128, T>C. VCF-style: chr5-177260128-T-C. GRCh37 (hg19) VCF-style: chr5-176687129-T-C.
Other names: c.4233T>C, p.His1411= (NM_001365684.2, NM_001409308.1, NM_001409309.1 and 1 more transcripts); c.5106T>C, p.His1702= (NM_001409301.1, NM_001409302.1, NM_001409303.1); c.4686T>C, p.His1562= (NM_001409304.1); c.4353T>C, p.His1451= (NM_001409305.1); c.4344T>C, p.His1448= (NM_001409306.1, NM_001409307.1).
Identifiers: ClinVar variation 389920 (VCV000389920.3), dbSNP rs778450121, ClinGen allele CA3577765.